The following is an entry in ClinVar:

NM_004612.4(TGFBR1):c.569G>T (p.Gly190Val)

Gene: TGFBR1 (transforming growth factor beta receptor 1; plus strand). Cytogenetic location: 9q22.33.
Variant type: single nucleotide variant.
Coding change: c.569G>T on transcript NM_004612.4 (MANE Select); coding-DNA position 569, G replaced by T.
Protein change: p.Gly190Val; replaces glycine 190 with valine.
Molecular consequence: missense variant. On other transcripts: intron variant (1).
Genome position (GRCh38, 1-based): chr9:99,132,734, G>T. VCF-style: chr9-99132734-G-T. GRCh37 (hg19) VCF-style: chr9-101895016-G-T.
Other names: c.581G>T, p.Gly194Val (NM_001306210.2); c.343+3634G>T (NM_001130916.3); short protein forms G190V, G194V.
Identifiers: ClinVar variation 1699262 (VCV001699262.6), dbSNP rs2118632040, ClinGen allele CA374228527.

ClinVar aggregate classification (germline): Uncertain significance (1 of 4 stars; one submission).

Conditions:
Loeys-Dietz syndrome 1 (LDS1). Also called: FURLONG SYNDROME; TGFBR1-Related Loeys-Dietz Syndrome; AORTIC ANEURYSM, FAMILIAL THORACIC 5. Identifiers: Orphanet 60030, MedGen C4551955, MONDO:0012212, OMIM 609192.

Submission:

Victorian Clinical Genetics Services, Murdoch Childrens Research Institute
Classification: Uncertain significance for Loeys-Dietz syndrome 1. Last evaluated: 2024-12-30. Review status: criteria provided, single submitter. Criteria: ACMG Guidelines, 2015. Collection method: clinical testing. Allele origin: germline. Affected: yes.
Comment: This variant is classified as VUS-3A. Evidence in support of pathogenic classification: Variant is absent from gnomAD (v2, v3 and v4); Variant is located in the well-established functional TGF_beta_GS domain (NCBI, DECIPHER); Missense variant consistently predicted to be damaging by in silico tool or highly conserved with a major amino acid change. Additional information: Variant is predicted to result in a missense amino acid change from glycine to valine; This variant is heterozygous; This gene is associated with autosomal dominant disease; An alternative amino acid change at the same position has been observed in gnomAD (v2) (1 heterozygote, 0 homozygotes); This variant has no previous evidence of pathogenicity; No published functional evidence has been identified for this variant; Other missense variants comparable to the one identified in this case have inconclusive previous evidence for pathogenicity. The p.(Gly190Arg) variant has been reported as likely pathogenic in an individual with aortic aneurysm and patent foramen ovale (DECIPHER). In addition, the p.(Gly190Asp) variant has been classified as a VUS by a diagnostic laboratory in ClinVar; Loss of function is a known mechanism of disease in this gene and is associated with multiple self-healing squamous epithelioma (MSSE) (MIM#132800) (PMID: 21358634). Dominant negative is a suspected mechanism of disease in this gene and has been associated with Loeys–Dietz syndrome (LDS) (MIM#609192) (PMID: 29706644); Variants in this gene are known to have variable expressivity (PMID: 32339686); Inheritance information for this variant is not currently available in this individual.

Literature cited by the submitters: PubMed 29706644 (cited by Victorian Clinical Genetics Services, Murdoch Childrens Research Institute); PubMed 21358634 (cited by Victorian Clinical Genetics Services, Murdoch Childrens Research Institute); PubMed 32339686 (cited by Victorian Clinical Genetics Services, Murdoch Childrens Research Institute).